The following is an entry in ClinVar:

ClinVar aggregate classification (germline): Benign/Likely benign. Review status: criteria provided, multiple submitters, no conflicts (2 of 4 stars). 4 submissions from 4 submitters: Benign (1); Likely benign (2). 1 of the submissions does not count toward it. Last evaluated 2026-01-29.

Conditions:
SCLT1-related disorder. Also called: SCLT1-related condition.

Allele frequency attached by ClinVar (database versions not stated): 1000 Genomes Project 0.00060; 1000 Genomes Project 30x 0.00109; TOPMed 0.00162; ESP Exome Variant Server 0.00185.
gnomAD v4.1: 3,470 of 1,611,948 alleles (0.22%); highest among the groups gnomAD compares: Non-Finnish European, 0.26%; 5 homozygotes.

Submissions (4):

Labcorp Genetics (formerly Invitae), Labcorp
Classification: Benign. Last evaluated: 2026-01-29. Review status: criteria provided, single submitter. Criteria: Invitae Variant Classification Sherloc (09022015). Collection method: clinical testing. Allele origin: germline.

CeGaT Center for Human Genetics Tuebingen
Classification: Likely benign. Last evaluated: 2025-07-01. Review status: criteria provided, single submitter. Criteria: CeGaT Center For Human Genetics Tuebingen Variant Classification Criteria Version 2. Collection method: clinical testing. Allele origin: germline. Affected: yes. Observed: 4 variant alleles.
Comment: SCLT1: BP4, BP7

Blueprint Genetics
Classification: Likely benign. Last evaluated: 2024-11-21. Review status: criteria provided, single submitter. Criteria: ACMG Guidelines, 2015. Collection method: clinical testing. Allele origin: germline.

PreventionGenetics, part of Exact Sciences
Classification: Likely benign for SCLT1-related condition. Last evaluated: 2024-08-28. Review status: no assertion criteria provided. Collection method: clinical testing. Allele origin: germline. Not counted in ClinVar's aggregate classification.
Comment: This variant is classified as likely benign based on ACMG/AMP sequence variant interpretation guidelines (Richards et al. 2015 PMID: 25741868, with internal and published modifications).

NM_144643.4(SCLT1):c.1494A>G (p.Val498=)

Gene: SCLT1 (sodium channel and clathrin linker 1; minus strand). Cytogenetic location: 4q28.2.
Variant type: single nucleotide variant.
Coding change: c.1494A>G on transcript NM_144643.4 (MANE Select); coding-DNA position 1494, A replaced by G.
Protein change: p.Val498=; no amino-acid change (valine 498 retained).
Molecular consequence: synonymous variant.
Genome position (GRCh38, 1-based): chr4:128,943,134, T>C on the plus strand (A>G on the coding strand, the complement: SCLT1 is on the minus strand). VCF-style: chr4-128943134-T-C. GRCh37 (hg19) VCF-style: chr4-129864289-T-C.
Identifiers: ClinVar variation 715797 (VCV000715797.35), dbSNP rs144333168, ClinGen allele CA3079601.